The following is an entry in ClinVar:

ClinVar aggregate classification (germline): Uncertain significance. Review status: criteria provided, multiple submitters, no conflicts (2 of 4 stars). 4 submissions from 3 submitters: Uncertain significance (4). Last evaluated 2025-05-21.

Conditions:
Glycogen storage disease, type IV (GSD4). Also called: AMYLOPECTINOSIS; ANDERSEN DISEASE; BRANCHER DEFICIENCY; CIRRHOSIS, FAMILIAL, WITH DEPOSITION OF ABNORMAL GLYCOGEN; GBE1 DEFICIENCY; GLYCOGEN BRANCHING ENZYME DEFICIENCY. Identifiers: Orphanet 367, MedGen C0017923, MONDO:0009292, OMIM 232500.
Inborn genetic diseases. Identifiers: MedGen C0950123, MeSH D030342.
Glycogen storage disease IV, classic hepatic. Also called: GSD IV, CLASSIC HEPATIC. Identifiers: MedGen C1856301.
Adult polyglucosan body disease (APBN). Also called: GBE1-Adult Polyglucosan Body Disease; POLYGLUCOSAN BODY DISEASE, ADULT FORM. Identifiers: Orphanet 206583, MedGen C1849722, MONDO:0009897, OMIM 263570.

Allele frequency attached by ClinVar (database versions not stated): gnomAD exomes below 0.00001; TOPMed below 0.00001.
gnomAD v4.1: 6 of 1,575,968 alleles (0.00038%); highest among the groups gnomAD compares: East Asian, 0.0023%; no homozygotes.

Submissions (4):

Ambry Genetics
Classification: Uncertain significance for Inborn genetic diseases. Last evaluated: 2025-05-21. Review status: criteria provided, single submitter. Criteria: Ambry Variant Classification Scheme 2023. Collection method: clinical testing. Allele origin: germline.

Labcorp Genetics (formerly Invitae), Labcorp
Classification: Uncertain significance for Glycogen storage disease, type IV; Glycogen storage disease IV, classic hepatic. Last evaluated: 2022-03-23. Review status: criteria provided, single submitter. Criteria: Invitae Variant Classification Sherloc (09022015). Collection method: clinical testing. Allele origin: germline.
Comment: This sequence change replaces asparagine, which is neutral and polar, with serine, which is neutral and polar, at codon 222 of the GBE1 protein (p.Asn222Ser). This variant is not present in population databases (gnomAD no frequency). This variant has not been reported in the literature in individuals affected with GBE1-related conditions. ClinVar contains an entry for this variant (Variation ID: 901828). Advanced modeling of protein sequence and biophysical properties (such as structural, functional, and spatial information, amino acid conservation, physicochemical variation, residue mobility, and thermodynamic stability) performed at Invitae indicates that this missense variant is not expected to disrupt GBE1 protein function. Algorithms developed to predict the effect of sequence changes on RNA splicing suggest that this variant may create or strengthen a splice site. In summary, the available evidence is currently insufficient to determine the role of this variant in disease. Therefore, it has been classified as a Variant of Uncertain Significance.

Illumina Laboratory Services, Illumina
Classification: Uncertain significance for Glycogen storage disease, type IV. Last evaluated: 2018-01-13. Review status: criteria provided, single submitter. Criteria: ICSL Variant Classification Criteria 13 December 2019. Collection method: clinical testing. Allele origin: germline.

Illumina Laboratory Services, Illumina
Classification: Uncertain significance for Adult polyglucosan body disease. Last evaluated: 2018-01-13. Review status: criteria provided, single submitter. Criteria: ICSL Variant Classification Criteria 13 December 2019. Collection method: clinical testing. Allele origin: germline.

NM_000158.4(GBE1):c.665A>G (p.Asn222Ser)

Gene: GBE1 (1,4-alpha-glucan branching enzyme 1; minus strand). Cytogenetic location: 3p12.2.
Variant type: single nucleotide variant.
Coding change: c.665A>G on transcript NM_000158.4 (MANE Select); coding-DNA position 665, A replaced by G.
Protein change: p.Asn222Ser; replaces asparagine 222 with serine.
Molecular consequence: missense variant.
Genome position (GRCh38, 1-based): chr3:81,648,882, T>C on the plus strand (A>G on the coding strand, the complement: GBE1 is on the minus strand). VCF-style: chr3-81648882-T-C. GRCh37 (hg19) VCF-style: chr3-81698033-T-C.
Other names: short protein forms N222S.
Identifiers: ClinVar variation 901828 (VCV000901828.9), dbSNP rs1350258947, ClinGen allele CA353688265.